The following is an entry in ClinVar:

ClinVar aggregate classification (germline): Uncertain significance (1 of 4 stars; one submission).

Submission:

Labcorp Genetics (formerly Invitae), Labcorp
Classification: Uncertain significance. Last evaluated: 2022-07-11. Review status: criteria provided, single submitter. Criteria: Invitae Variant Classification Sherloc (09022015). Collection method: clinical testing. Allele origin: germline.
Comment: In summary, the available evidence is currently insufficient to determine the role of this variant in disease. Therefore, it has been classified as a Variant of Uncertain Significance. This sequence change replaces leucine, which is neutral and non-polar, with methionine, which is neutral and non-polar, at codon 1317 of the ALPK3 protein (p.Leu1317Met). This variant is not present in population databases (gnomAD no frequency). This variant has not been reported in the literature in individuals affected with ALPK3-related conditions. Algorithms developed to predict the effect of missense changes on protein structure and function are either unavailable or do not agree on the potential impact of this missense change (SIFT: "Tolerated"; PolyPhen-2: "Possibly Damaging"; Align-GVGD: "Class C0").

NM_020778.5(ALPK3):c.3343C>A (p.Leu1115Met)

Gene: ALPK3 (alpha kinase 3; plus strand). Cytogenetic location: 15q25.3.
Variant type: single nucleotide variant.
Coding change: c.3343C>A on transcript NM_020778.5 (MANE Select); coding-DNA position 3343, C replaced by A.
Protein change: p.Leu1115Met; replaces leucine 1115 with methionine.
Molecular consequence: missense variant.
Genome position (GRCh38, 1-based): chr15:84,858,081, C>A. VCF-style: chr15-84858081-C-A. GRCh37 (hg19) VCF-style: chr15-85401312-C-A.
Other names: short protein forms L1115M.
Identifiers: ClinVar variation 2015894 (VCV002015894.4), dbSNP rs2505721792, ClinGen allele CA393360081.